The following is an entry in ClinVar:

NM_020911.2(PLXNA4):c.504A>G (p.Ser168=)

Gene: PLXNA4 (plexin A4; minus strand). Cytogenetic location: 7q32.3.
Variant type: single nucleotide variant.
Coding change: c.504A>G on transcript NM_020911.2 (MANE Select); coding-DNA position 504, A replaced by G.
Protein change: p.Ser168=; no amino-acid change (serine 168 retained).
Molecular consequence: synonymous variant.
Genome position (GRCh38, 1-based): chr7:132,508,190, T>C on the plus strand (A>G on the coding strand, the complement: PLXNA4 is on the minus strand). VCF-style: chr7-132508190-T-C. GRCh37 (hg19) VCF-style: chr7-132192949-T-C.
Other names: c.504A>G, p.Ser168= (NM_001105543.2, NM_001393897.1, NM_181775.4).
Identifiers: ClinVar variation 3060580 (VCV003060580.2), dbSNP rs156962, ClinGen allele CA4490488.

ClinVar aggregate classification (germline): Benign (0 of 4 stars; one submission).

Conditions:
PLXNA4-related disorder. Also called: PLXNA4-related condition.

Allele frequency attached by ClinVar (database versions not stated): gnomAD exomes 0.38009; ExAC 0.38296; 1000 Genomes Project 0.39337; 1000 Genomes Project 30x 0.39897; gnomAD 0.41097; TOPMed 0.41121; ESP Exome Variant Server 0.42004.
gnomAD v4.1: 619,044 of 1,613,876 alleles (38%); highest among the groups gnomAD compares: African/African-American, 48%; 120,217 homozygotes.

Submission:

PreventionGenetics, part of Exact Sciences
Classification: Benign for PLXNA4-related condition. Last evaluated: 2022-07-19. Review status: no assertion criteria provided. Collection method: clinical testing. Allele origin: germline.
Comment: This variant is classified as benign based on ACMG/AMP sequence variant interpretation guidelines (Richards et al. 2015 PMID: 25741868, with internal and published modifications).